The following is an entry in ClinVar:

NM_031372.4(HNRNPDL):c.1190G>A (p.Ser397Asn)

Gene: HNRNPDL (heterogeneous nuclear ribonucleoprotein D like; minus strand). Cytogenetic location: 4q21.22.
Variant type: single nucleotide variant.
Coding change: c.1190G>A on transcript NM_031372.4 (MANE Select); coding-DNA position 1190, G replaced by A.
Protein change: p.Ser397Asn; replaces serine 397 with asparagine.
Molecular consequence: missense variant. On other transcripts: non-coding transcript variant (1), intron variant (1).
Genome position (GRCh38, 1-based): chr4:82,426,465, C>T on the plus strand (G>A on the coding strand, the complement: HNRNPDL is on the minus strand). VCF-style: chr4-82426465-C-T. GRCh37 (hg19) VCF-style: chr4-83347618-C-T.
Other names: c.1022-336G>A (NM_001207000.1); short protein forms S397N.
Identifiers: ClinVar variation 1430548 (VCV001430548.6), dbSNP rs2110027669, ClinGen allele CA357167633.

ClinVar aggregate classification (germline): Uncertain significance (1 of 4 stars; one submission).

Conditions:
Autosomal dominant limb-girdle muscular dystrophy type 1G (LGMDD3). Also called: MUSCULAR DYSTROPHY, LIMB-GIRDLE, AUTOSOMAL DOMINANT 3; Limb-girdle muscular dystrophy, type 1G. Identifiers: Orphanet 55596, MedGen C1836765, MONDO:0012193, OMIM 609115.

Submission:

Labcorp Genetics (formerly Invitae), Labcorp
Classification: Uncertain significance for Autosomal dominant limb-girdle muscular dystrophy type 1G. Last evaluated: 2022-07-25. Review status: criteria provided, single submitter. Criteria: Invitae Variant Classification Sherloc (09022015). Collection method: clinical testing. Allele origin: germline.
Comment: In summary, the available evidence is currently insufficient to determine the role of this variant in disease. Therefore, it has been classified as a Variant of Uncertain Significance. Algorithms developed to predict the effect of missense changes on protein structure and function are either unavailable or do not agree on the potential impact of this missense change (SIFT: "Deleterious"; PolyPhen-2: "Benign"; Align-GVGD: "Class C45"). ClinVar contains an entry for this variant (Variation ID: 1430548). This variant has not been reported in the literature in individuals affected with HNRNPDL-related conditions. This variant is not present in population databases (gnomAD no frequency). This sequence change replaces serine, which is neutral and polar, with asparagine, which is neutral and polar, at codon 397 of the HNRNPDL protein (p.Ser397Asn).